The following is an entry in ClinVar:

NM_001365536.1(SCN9A):c.3996G>A (p.Trp1332Ter)

Genes: SCN1A-AS1 (SCN1A and SCN9A antisense RNA 1; plus strand), SCN9A (sodium voltage-gated channel alpha subunit 9; minus strand). Cytogenetic location: 2q24.3.
Variant type: single nucleotide variant.
Coding change: c.3996G>A on transcript NM_001365536.1 (MANE Select); coding-DNA position 3996, G replaced by A.
Protein change: p.Trp1332Ter; replaces tryptophan 1332 with a stop codon.
Molecular consequence: nonsense.
Genome position (GRCh38, 1-based): chr2:166,228,901, C>T on the plus strand (G>A on the coding strand, the complement: SCN9A is on the minus strand). VCF-style: chr2-166228901-C-T. GRCh37 (hg19) VCF-style: chr2-167085411-C-T.
Other names: c.3963G>A, p.Trp1321Ter (NM_002977.4); short protein forms W1332*, W1321*.
Identifiers: ClinVar variation 2941884 (VCV002941884.3), dbSNP rs1553479210, ClinGen allele CA349064359.

ClinVar aggregate classification (germline): Pathogenic (1 of 4 stars; one submission).

Conditions:
Neuropathy, hereditary sensory and autonomic, type 2A (HSAN2A). Also called: ACROOSTEOLYSIS, GIACCAI TYPE; ACROOSTEOLYSIS, NEUROGENIC; MORVAN DISEASE; NEUROPATHY, CONGENITAL SENSORY; NEUROPATHY, HEREDITARY SENSORY RADICULAR, AUTOSOMAL RECESSIVE; NEUROPATHY, HEREDITARY SENSORY, TYPE IIA. Identifiers: Orphanet 970, MedGen C2752089, MONDO:0024309, OMIM 201300.
Generalized epilepsy with febrile seizures plus, type 7 (GEFSP7). Also called: GEFS+, TYPE 7. Identifiers: Orphanet 36387, MedGen C2751778, MONDO:0013470, OMIM 613863.

Allele frequency attached by ClinVar (database versions not stated): gnomAD exomes below 0.00001.
gnomAD v4.1: 1 of 1,613,498 alleles (0.000062%); highest among the groups gnomAD compares: East Asian, 0.0022%; no homozygotes.

Submission:

Labcorp Genetics (formerly Invitae), Labcorp
Classification: Pathogenic for Neuropathy, hereditary sensory and autonomic, type 2A; Generalized epilepsy with febrile seizures plus, type 7. Last evaluated: 2023-09-15. Review status: criteria provided, single submitter. Criteria: Invitae Variant Classification Sherloc (09022015). Collection method: clinical testing. Allele origin: germline.
Comment: This sequence change creates a premature translational stop signal (p.Trp1321*) in the SCN9A gene. It is expected to result in an absent or disrupted protein product. Loss-of-function variants in SCN9A are known to be pathogenic (PMID: 17470132, 19304393). This variant is not present in population databases (gnomAD no frequency). This variant has not been reported in the literature in individuals affected with SCN9A-related conditions. For these reasons, this variant has been classified as Pathogenic.

Literature cited by the submitters: PubMed 17470132; PubMed 19304393.